The following is an entry in ClinVar:

ClinVar aggregate classification (germline): Uncertain significance (1 of 4 stars; one submission).

gnomAD v4.1: 9 of 1,614,204 alleles (0.00056%); highest among the groups gnomAD compares: Non-Finnish European, 0.00076%; no homozygotes.

Submission:

Labcorp Genetics (formerly Invitae), Labcorp
Classification: Uncertain significance. Last evaluated: 2024-11-19. Review status: criteria provided, single submitter. Criteria: Invitae Variant Classification Sherloc (09022015). Collection method: clinical testing. Allele origin: germline.
Comment: This sequence change replaces lysine, which is basic and polar, with arginine, which is basic and polar, at codon 333 of the OAS1 protein (p.Lys333Arg). This variant is present in population databases (no rsID available, gnomAD 0.0009%). This variant has not been reported in the literature in individuals affected with OAS1-related conditions. An algorithm developed to predict the effect of missense changes on protein structure and function outputs the following: PolyPhen-2: "Benign". The arginine amino acid residue is found in multiple mammalian species, which suggests that this missense change does not adversely affect protein function. Algorithms developed to predict the effect of sequence changes on RNA splicing suggest that this variant may disrupt the consensus splice site. In summary, the available evidence is currently insufficient to determine the role of this variant in disease. Therefore, it has been classified as a Variant of Uncertain Significance.

NM_016816.4(OAS1):c.998A>G (p.Lys333Arg)

Gene: OAS1 (2'-5'-oligoadenylate synthetase 1; plus strand). Cytogenetic location: 12q24.13.
Variant type: single nucleotide variant.
Coding change: c.998A>G on transcript NM_016816.4 (MANE Select); coding-DNA position 998, A replaced by G.
Protein change: p.Lys333Arg; replaces lysine 333 with arginine.
Molecular consequence: missense variant. On other transcripts: non-coding transcript variant (9).
Genome position (GRCh38, 1-based): chr12:112,917,660, A>G. VCF-style: chr12-112917660-A-G. GRCh37 (hg19) VCF-style: chr12-113355465-A-G.
Other names: c.998A>G, p.Lys333Arg (NM_001032409.3, NM_001320151.2, NM_001406022.1 and 1 more transcripts); c.974A>G, p.Lys325Arg (NM_001406020.1, NM_001406021.1, NM_001406023.1 and 2 more transcripts); c.524A>G, p.Lys175Arg (NM_001406026.1, NM_001406027.1, NM_001406029.1 and 1 more transcripts); short protein forms K325R, K333R, K175R.
Identifiers: ClinVar variation 3692421 (VCV003692421.2).